The following is an entry in ClinVar:

ClinVar aggregate classification (germline): Pathogenic. Review status: criteria provided, multiple submitters, no conflicts (2 of 4 stars). 7 submissions from 7 submitters: Pathogenic (5). 2 of the submissions do not count toward it. Last evaluated 2026-01-28.

Conditions:
Primary hyperoxaluria type 3. Also called: PH III. Identifiers: Orphanet 416, Orphanet 93600, MedGen C3150878, MONDO:0013327, OMIM 613616. Disease mechanism: loss of function.

Submissions (7):

Labcorp Genetics (formerly Invitae), Labcorp
Classification: Pathogenic. Last evaluated: 2026-01-28. Review status: criteria provided, single submitter. Criteria: Invitae Variant Classification Sherloc (09022015). Collection method: clinical testing. Allele origin: germline.
Comment: This sequence change affects a splice site in intron 6 of the HOGA1 gene. RNA analysis indicates that disruption of this splice site induces altered splicing and likely disrupts the C-terminus of the protein. Information on the frequency of this variant in the gnomAD database is not available, as this variant may be reported differently in the database. Disruption of this splice site has been observed in individuals with primary hyperoxaluria type 3 (PMID: 25972204, 26340091). It has also been observed to segregate with disease in related individuals. ClinVar contains an entry for this variant (Variation ID: 625169). Variants that disrupt the consensus splice site are a relatively common cause of aberrant splicing (PMID: 17576681, 9536098). Studies have shown that disruption of this splice site results in skipping of exon 6 and introduces a new termination codon (PMID: 26340091). However the mRNA is not expected to undergo nonsense-mediated decay. For these reasons, this variant has been classified as Pathogenic.

Natera, Inc.
Classification: Pathogenic for Primary hyperoxaluria type III. Last evaluated: 2025-12-03. Review status: criteria provided, single submitter. Criteria: Natera Variant Classification Schema (03/2026). Collection method: clinical testing. Allele origin: germline.
Comment: The c.834_834+1delGGinsTT variant in HOGA1 is a canonical splice donor site variant predicted to affect pre-mRNA splicing, which may result in an abnormal transcript and altered protein product. This variant is expected to result in nonsense mediated decay, truncation, or a dysfunctional protein product. This variant is rare in the general population with a frequency below the threshold expected for the associated phenotype(s). This variant has been observed in one or more individuals affected with the associated recessive disease, as either homozygous or compound heterozygous with a second variant (PMID: 35149915). Given the available evidence, this variant is classified as Pathogenic.

3billion
Classification: Pathogenic for Primary hyperoxaluria type 3. Last evaluated: 2025-02-15. Review status: criteria provided, single submitter. Criteria: ACMG Guidelines, 2015. Collection method: clinical testing. Allele origin: germline. Affected: yes.
Comment: The variant is observed at an extremely low frequency in the gnomAD v4.1.0 dataset (total allele frequency: 0.001%). Predicted Consequence/Location: Canonical splice site: predicted to alter splicing and result in a loss or disruption of normal protein function. The predicted truncated protein may be shortened by more than 10%. The variant has been reported to be associated with HOGA1-related disorder (ClinVar ID: VCV000625169.12). Therefore, this variant is classified as Pathogenic according to the recommendation of ACMG/AMP guideline.

Victorian Clinical Genetics Services, Murdoch Childrens Research Institute
Classification: Pathogenic for Primary hyperoxaluria type 3. Last evaluated: 2024-10-09. Review status: criteria provided, single submitter. Criteria: ACMG Guidelines, 2015. Collection method: clinical testing. Allele origin: germline. Inheritance: Autosomal recessive inheritance. Affected: yes.
Comment: Based on the classification scheme VCGS_Germline_v1.3.4, this variant is classified as Pathogenic. Following criteria are met: 0102 - Loss of function is a known mechanism of disease in this gene and is associated with hyperoxaluria, primary, type III (MIM#613616). (I) 0106 - This gene is associated with autosomal recessive disease. (I) 0115 - Variants in this gene are known to have variable expressivity (PMID: 25644115). (I) 0209 - Splice site variant proven to affect splicing of the transcript with uncertain effect on protein sequence. Minigene assays have shown that this variant results in exon 6 skipping, and the formation of a premature termination codon. However, as the minigene assays only utilise a small region of the gene, the exact outcome is uncertain (PMID: 26340091). (SP) 0252 - This variant is homozygous. (I) 0304 - Variant is present in gnomAD (v2) <0.01 for a recessive condition (16 heterozygotes, 0 homozygotes). (SP) 0311 - An alternative nucleotide change at the same canonical splice site, is present in gnomAD (v2) (1 heterozygote, 0 homozygotes). (I) 0702 - Other canonical splice variants comparable to the one identified in this case have strong previous evidence for pathogenicity. These variants (c.834+1G>T, c.834+1G>A, c.834+2T>C) have been reported as likely pathogenic and pathogenic, and observed in individuals with primary hyperoxaluria (ClinVar, PMID: 25972204). (SP) 0801 - This variant has strong previous evidence of pathogenicity in unrelated individuals. This variant has been reported as pathogenic and observed in at least five compound heterozygous individuals with primary hyperoxaluria (ClinVar, PMID: 26340091, PMID: 30488096, PMID: 31401635). (SP) 1209 - This variant has been shown to be both maternally and paternally inherited (biallelic). (I) Legend: (SP) - Supporting pathogenic, (I) - Information, (SB) - Supporting benign

Juno Genomics, Hangzhou Juno Genomics, Inc
Classification: Pathogenic for Primary hyperoxaluria type 3. Review status: criteria provided, single submitter. Criteria: ACMG Guidelines, 2015. Collection method: clinical testing. Allele origin: germline. Affected: yes.
Comment: Absent from controls (or at extremely low frequency if recessive) in Genome Aggregation Database, Exome Sequencing Project, 1000 Genomes Project, or Exome Aggregation Consortium.;Null variant in a gene where loss of function (LOF) is a known mechanism of disease.;For recessive disorders, detected in trans with a pathogenic variant.;Patient's phenotype or family history is highly specific for a disease with a single genetic etiology.

Chinese Inherited Urolithiasis Consortium, The Affiliated Yantai Yuhuangding Hospital of Qingdao University
Classification: Pathogenic for Primary hyperoxaluria type 3. Last evaluated: 2024-08-26. Review status: no assertion criteria provided. Collection method: clinical testing. Allele origin: maternal, paternal, biparental. Affected: yes. Observed: 14 variant alleles. Not counted in ClinVar's aggregate classification.

OMIM
Classification: Pathogenic for HYPEROXALURIA, PRIMARY, TYPE III. Last evaluated: 2019-04-10. Review status: no assertion criteria provided. Collection method: literature only. Allele origin: germline. Not counted in ClinVar's aggregate classification.

Literature cited by the submitters: PubMed 25972204 (cited by 3 submitters); PubMed 26340091 (cited by 3 submitters); PubMed 17576681 (cited by Labcorp Genetics (formerly Invitae), Labcorp); PubMed 9536098 (cited by Labcorp Genetics (formerly Invitae), Labcorp); PubMed 35149915 (cited by Natera, Inc.); PubMed 25644115 (cited by Victorian Clinical Genetics Services, Murdoch Childrens Research Institute); PubMed 30488096 (cited by Victorian Clinical Genetics Services, Murdoch Childrens Research Institute); PubMed 31401635 (cited by Victorian Clinical Genetics Services, Murdoch Childrens Research Institute).

NM_138413.4(HOGA1):c.834_834+1delinsTT

Gene: HOGA1 (4-hydroxy-2-oxoglutarate aldolase 1; plus strand). Cytogenetic location: 10q24.2.
Variant type: Indel.
Coding change: c.834_834+1delinsTT on transcript NM_138413.4 (MANE Select); coding-DNA position 834 through the canonical splice donor site of the intron after coding-DNA position 834, GG replaced by TT.
Molecular consequence: splice donor variant.
Genome position (GRCh38, 1-based): chr10:97,601,990-97,601,991, GG replaced by TT. VCF-style: chr10-97601990-GG-TT. GRCh37 (hg19) VCF-style: chr10-99361747-GG-TT.
Other names: c.834_834+1GG-TT; c.345_345+1delinsTT (NM_001134670.2).
Identifiers: ClinVar variation 625169 (VCV000625169.18), dbSNP rs1564760008, ClinGen allele CA913190080.